The following is an entry in ClinVar:

NM_000212.3(ITGB3):c.2234T>A (p.Ile745Asn)

Genes: EFCAB13-DT (EFCAB13 divergent transcript; minus strand), ITGB3 (integrin subunit beta 3; plus strand). Cytogenetic location: 17q21.32.
Variant type: single nucleotide variant.
Coding change: c.2234T>A on transcript NM_000212.3 (MANE Select); coding-DNA position 2234, T replaced by A.
Protein change: p.Ile745Asn; replaces isoleucine 745 with asparagine.
Molecular consequence: missense variant.
Genome position (GRCh38, 1-based): chr17:47,307,570, T>A. VCF-style: chr17-47307570-T-A. GRCh37 (hg19) VCF-style: chr17-45384936-T-A.
Other names: short protein forms I745N.
Identifiers: ClinVar variation 1304752 (VCV001304752.5), dbSNP rs2143150692, ClinGen allele CA400034244.

ClinVar aggregate classification (germline): Uncertain significance. Review status: criteria provided, multiple submitters, no conflicts (2 of 4 stars). 2 submissions from 2 submitters: Uncertain significance (2). Last evaluated 2025-11-11.

Submissions (2):

Labcorp Genetics (formerly Invitae), Labcorp
Classification: Uncertain significance. Last evaluated: 2025-11-11. Review status: criteria provided, single submitter. Criteria: Invitae Variant Classification Sherloc (09022015). Collection method: clinical testing. Allele origin: germline.
Comment: This sequence change replaces isoleucine, which is neutral and non-polar, with asparagine, which is neutral and polar, at codon 745 of the ITGB3 protein (p.Ile745Asn). This variant is not present in population databases (gnomAD no frequency). This variant has not been reported in the literature in individuals affected with ITGB3-related conditions. ClinVar contains an entry for this variant (Variation ID: 1304752). Invitae Evidence Modeling of protein sequence and biophysical properties (such as structural, functional, and spatial information, amino acid conservation, physicochemical variation, residue mobility, and thermodynamic stability) has been performed for this missense variant. However, the output from this modeling did not meet the statistical confidence thresholds required to predict the impact of this variant on ITGB3 protein function. In summary, the available evidence is currently insufficient to determine the role of this variant in disease. Therefore, it has been classified as a Variant of Uncertain Significance.

GeneDx
Classification: Uncertain significance. Last evaluated: 2019-07-02. Review status: criteria provided, single submitter. Criteria: GeneDx Variant Classification Process June 2021. Collection method: clinical testing. Allele origin: germline. Affected: yes.
Comment: Not observed in large population cohorts (Lek et al., 2016); In silico analysis, which includes protein predictors and evolutionary conservation, supports a deleterious effect; Has not been previously published as pathogenic or benign to our knowledge